The following is an entry in ClinVar:

ClinVar aggregate classification (germline): Uncertain significance (1 of 4 stars; one submission).

Conditions:
Neuropathy, hereditary sensory and autonomic, type 2A (HSAN2A). Also called: NEUROPATHY, HEREDITARY SENSORY RADICULAR, AUTOSOMAL RECESSIVE; NEUROPATHY, HEREDITARY SENSORY, TYPE IIA; NEUROPATHY, PROGRESSIVE SENSORY, OF CHILDREN; WNK1-Related HSAN2 (HSAN2A); ACROOSTEOLYSIS, GIACCAI TYPE; ACROOSTEOLYSIS, NEUROGENIC. Identifiers: Orphanet 970, MedGen C2752089, MONDO:0024309, OMIM 201300.
Generalized epilepsy with febrile seizures plus, type 7 (GEFSP7). Also called: GEFS+, TYPE 7. Identifiers: Orphanet 36387, MedGen C2751778, MONDO:0013470, OMIM 613863.

Submission:

Labcorp Genetics (formerly Invitae), Labcorp
Classification: Uncertain significance for Neuropathy, hereditary sensory and autonomic, type 2A; Generalized epilepsy with febrile seizures plus, type 7. Last evaluated: 2024-03-24. Review status: criteria provided, single submitter. Criteria: Invitae Variant Classification Sherloc (09022015). Collection method: clinical testing. Allele origin: germline.
Comment: This sequence change replaces methionine, which is neutral and non-polar, with isoleucine, which is neutral and non-polar, at codon 1770 of the SCN9A protein (p.Met1770Ile). This variant is not present in population databases (gnomAD no frequency). This variant has not been reported in the literature in individuals affected with SCN9A-related conditions. Advanced modeling of protein sequence and biophysical properties (such as structural, functional, and spatial information, amino acid conservation, physicochemical variation, residue mobility, and thermodynamic stability) performed at Invitae indicates that this missense variant is not expected to disrupt SCN9A protein function with a negative predictive value of 95%. In summary, the available evidence is currently insufficient to determine the role of this variant in disease. Therefore, it has been classified as a Variant of Uncertain Significance.

NM_001365536.1(SCN9A):c.5343G>A (p.Met1781Ile)

Genes: SCN9A (sodium voltage-gated channel alpha subunit 9; minus strand), SCN1A-AS1 (SCN1A and SCN9A antisense RNA 1; plus strand). Cytogenetic location: 2q24.3.
Variant type: single nucleotide variant.
Coding change: c.5343G>A on transcript NM_001365536.1 (MANE Select); coding-DNA position 5343, G replaced by A.
Protein change: p.Met1781Ile; replaces methionine 1781 with isoleucine.
Molecular consequence: missense variant.
Genome position (GRCh38, 1-based): chr2:166,199,296, C>T on the plus strand (G>A on the coding strand, the complement: SCN9A is on the minus strand). VCF-style: chr2-166199296-C-T. GRCh37 (hg19) VCF-style: chr2-167055806-C-T.
Other names: c.5310G>A, p.Met1770Ile (NM_002977.4); short protein forms M1770I, M1781I.
Identifiers: ClinVar variation 3763373 (VCV003763373.2).